The following is an entry in ClinVar:

ClinVar aggregate classification (germline): Uncertain significance. Review status: criteria provided, multiple submitters, no conflicts (2 of 4 stars). 2 submissions from 2 submitters: Uncertain significance (2). Last evaluated 2024-09-23.

Conditions:
Saethre-Chotzen syndrome (SCS). Also called: ACROCEPHALY, SKULL ASYMMETRY, AND MILD SYNDACTYLY; ACS III; CHOTZEN SYNDROME. Identifiers: Orphanet 794, MedGen C0175699, MONDO:0007042, OMIM 101400.

Allele frequency attached by ClinVar (database versions not stated): gnomAD 0.00001.
gnomAD v4.1: 2 of 1,613,958 alleles (0.00012%); highest among the groups gnomAD compares: East Asian, 0.0022%; no homozygotes.

Submissions (2):

GeneDx
Classification: Uncertain significance. Last evaluated: 2024-09-23. Review status: criteria provided, single submitter. Criteria: GeneDx Variant Classification Process June 2021. Collection method: clinical testing. Allele origin: germline. Affected: yes.
Comment: Not observed at significant frequency in large population cohorts (gnomAD); In silico analysis supports a deleterious effect on splicing; Has not been previously published as pathogenic or benign to our knowledge

Genomic Medicine Lab, University of California San Francisco
Classification: Uncertain significance for Saethre-Chotzen syndrome. Last evaluated: 2020-03-12. Review status: criteria provided, single submitter. Criteria: ACMG Guidelines, 2015. Collection method: clinical testing. Allele origin: de novo. Inheritance: Autosomal dominant inheritance. Affected: yes. Study: CSER-P3EGS.

NM_000141.5(FGFR2):c.1085-6A>G

Gene: FGFR2 (fibroblast growth factor receptor 2; minus strand). Cytogenetic location: 10q26.13.
Variant type: single nucleotide variant.
Coding change: c.1085-6A>G on transcript NM_000141.5 (MANE Select); 6 bases into the intron before coding-DNA position 1085, A replaced by G.
Molecular consequence: intron variant.
Genome position (GRCh38, 1-based): chr10:121,515,325, T>C on the plus strand (A>G on the coding strand, the complement: FGFR2 is on the minus strand). VCF-style: chr10-121515325-T-C. GRCh37 (hg19) VCF-style: chr10-123274839-T-C.
Other names: c.749-6A>G (NM_001144914.1); c.740-6A>G (NM_001144918.2, NM_001441091.1, NM_001441090.1 and 1 more transcripts); c.818-6A>G (NM_001441089.1, NM_023029.3, NM_001144915.2); c.821-6A>G (NM_001441088.1, NM_001144919.2); c.939+4654A>G (NM_001144917.2); c.1085-6A>G (NM_001320658.2); c.1088-6A>G (NM_001441087.1, NM_022970.4, NM_001144913.1); c.401-6A>G (NM_001320654.2).
Identifiers: ClinVar variation 1065423 (VCV001065423.3), dbSNP rs2134232051, ClinGen allele CA2499220179.
Genomic context (GRCh38, chr10:121,515,325, plus strand): 5'-ATGGCTATCTCCAGGTAGTCTGGGGAAGCTGTAATCTCCTTTTCTCTTCCAGGCGCTAGA[T>C]TGCAGATCACAGGAGGAGGAACAGATAAGCAGGCCATAGAGTTAGCACACCAGACTGACG-3'